The following is an entry in ClinVar:

ClinVar aggregate classification (germline): Uncertain significance (1 of 4 stars; one submission).

Submission:

GeneDx
Classification: Uncertain significance. Last evaluated: 2024-07-09. Review status: criteria provided, single submitter. Criteria: GeneDx Variant Classification Process June 2021. Collection method: clinical testing. Allele origin: germline. Affected: yes.
Comment: Not observed at significant frequency in large population cohorts (gnomAD); In silico analysis indicates that this missense variant does not alter protein structure/function; Has not been previously published as pathogenic or benign to our knowledge

NM_001394372.1(BICRA):c.1393A>T (p.Met465Leu)

Gene: BICRA (BRD4 interacting chromatin remodeling complex associated protein; plus strand). Cytogenetic location: 19q13.33.
Variant type: single nucleotide variant.
Coding change: c.1393A>T on transcript NM_001394372.1 (MANE Select); coding-DNA position 1393, A replaced by T.
Protein change: p.Met465Leu; replaces methionine 465 with leucine.
Molecular consequence: missense variant.
Genome position (GRCh38, 1-based): chr19:47,680,563, A>T. VCF-style: chr19-47680563-A-T. GRCh37 (hg19) VCF-style: chr19-48183820-A-T.
Other names: c.1393A>T, p.Met465Leu (NM_015711.3); short protein forms M465L.
Identifiers: ClinVar variation 3572615 (VCV003572615.1).
Genomic context (GRCh38, chr19:47,680,563, plus strand): 5'-AAACCCATGAGCGTCCACCTCCTGAACCAAGGCAGCAGCATCGTCATCCCCGCCCAGCAC[A>T]TGCTGCCGGGCCAGAACCAGTTCCTACTGCCTGGCGCCCCGGCGGTCCAGCTCCCGCAGC-3'
Protein context (NP_001381301.1, residues 455-475): GSSIVIPAQH[Met465Leu]LPGQNQFLLP